The following is an entry in ClinVar:

ClinVar aggregate classification (germline): Uncertain significance (1 of 4 stars; one submission).

Conditions:
Joubert syndrome 21 (JBTS21). Identifiers: MedGen C3810212, MONDO:0014288, OMIM 615636.

Allele frequency attached by ClinVar (database versions not stated): gnomAD exomes below 0.00001.
gnomAD v4.1: 2 of 1,602,532 alleles (0.00012%); highest among the groups gnomAD compares: Non-Finnish European, 0.00017%; no homozygotes.

Submission:

Labcorp Genetics (formerly Invitae), Labcorp
Classification: Uncertain significance for Joubert syndrome 21. Last evaluated: 2021-07-08. Review status: criteria provided, single submitter. Criteria: Invitae Variant Classification Sherloc (09022015). Collection method: clinical testing. Allele origin: germline.
Comment: This variant has not been reported in the literature in individuals with CSPP1-related conditions. Algorithms developed to predict the effect of missense changes on protein structure and function are either unavailable or do not agree on the potential impact of this missense change (SIFT: "Tolerated"; PolyPhen-2: "Possibly Damaging"; Align-GVGD: "Class C0"). In summary, the available evidence is currently insufficient to determine the role of this variant in disease. Therefore, it has been classified as a Variant of Uncertain Significance. This variant is not present in population databases (ExAC no frequency). This sequence change replaces proline with leucine at codon 559 of the CSPP1 protein (p.Pro559Leu). The proline residue is moderately conserved and there is a moderate physicochemical difference between proline and leucine.

NM_001382391.1(CSPP1):c.1691C>T (p.Pro564Leu)

Gene: CSPP1 (centrosome and spindle pole associated protein 1; plus strand). Cytogenetic location: 8q13.2.
Variant type: single nucleotide variant.
Coding change: c.1691C>T on transcript NM_001382391.1 (MANE Select); coding-DNA position 1691, C replaced by T.
Protein change: p.Pro564Leu; replaces proline 564 with leucine.
Molecular consequence: missense variant.
Genome position (GRCh38, 1-based): chr8:67,118,815, C>T. VCF-style: chr8-67118815-C-T. GRCh37 (hg19) VCF-style: chr8-68031050-C-T.
Other names: c.794C>T, p.Pro265Leu (NM_001291339.2); c.1610C>T, p.Pro537Leu (NM_001363131.2); c.1649C>T, p.Pro550Leu (NM_001363132.2); c.1568C>T, p.Pro523Leu (NM_001363133.2); c.1757C>T, p.Pro586Leu (NM_001364869.1); c.1577C>T, p.Pro526Leu (NM_001364870.1); c.1676C>T, p.Pro559Leu (NM_024790.7); short protein forms P523L, P526L, P559L, P586L, P550L, P564L, P537L, P265L.
Identifiers: ClinVar variation 1412242 (VCV001412242.8), dbSNP rs2129551479, ClinGen allele CA371201320.